The following is an entry in ClinVar:

NM_003906.5(MCM3AP):c.1294T>C (p.Ser432Pro)

Gene: MCM3AP (minichromosome maintenance complex component 3 associated protein; minus strand). Cytogenetic location: 21q22.3.
Variant type: single nucleotide variant.
Coding change: c.1294T>C on transcript NM_003906.5 (MANE Select); coding-DNA position 1294, T replaced by C.
Protein change: p.Ser432Pro; replaces serine 432 with proline.
Molecular consequence: missense variant.
Genome position (GRCh38, 1-based): chr21:46,283,764, A>G on the plus strand (T>C on the coding strand, the complement: MCM3AP is on the minus strand). VCF-style: chr21-46283764-A-G. GRCh37 (hg19) VCF-style: chr21-47703678-A-G.
Other names: c.1294T>C (NM_003906.3); short protein forms S432P.
Identifiers: ClinVar variation 1937377 (VCV001937377.3), dbSNP rs763821918, ClinGen allele CA10077124.

ClinVar aggregate classification (germline): Uncertain significance. Review status: criteria provided, multiple submitters, no conflicts (2 of 4 stars). 2 submissions from 2 submitters: Uncertain significance (2). Last evaluated 2024-11-25.

Conditions:
Inborn genetic diseases. Identifiers: MedGen C0950123, MeSH D030342.

Allele frequency attached by ClinVar (database versions not stated): gnomAD 0.00001; gnomAD exomes 0.00001; ExAC 0.00003.
gnomAD v4.1: 16 of 1,614,002 alleles (0.00099%); highest among the groups gnomAD compares: Non-Finnish European, 0.0011%; no homozygotes.

Submissions (2):

Ambry Genetics
Classification: Uncertain significance for Inborn genetic diseases. Last evaluated: 2024-11-25. Review status: criteria provided, single submitter. Criteria: Ambry Variant Classification Scheme 2023. Collection method: clinical testing. Allele origin: germline.

Labcorp Genetics (formerly Invitae), Labcorp
Classification: Uncertain significance. Last evaluated: 2022-02-08. Review status: criteria provided, single submitter. Criteria: Invitae Variant Classification Sherloc (09022015). Collection method: clinical testing. Allele origin: germline.
Comment: This sequence change replaces serine, which is neutral and polar, with proline, which is neutral and non-polar, at codon 432 of the MCM3AP protein (p.Ser432Pro). This variant is present in population databases (rs763821918, gnomAD 0.004%). This variant has not been reported in the literature in individuals affected with MCM3AP-related conditions. Algorithms developed to predict the effect of missense changes on protein structure and function (SIFT, PolyPhen-2, Align-GVGD) all suggest that this variant is likely to be tolerated. In summary, the available evidence is currently insufficient to determine the role of this variant in disease. Therefore, it has been classified as a Variant of Uncertain Significance.